The following is an entry in ClinVar:

NM_001165963.4(SCN1A):c.509T>C (p.Leu170Pro)

Gene: SCN1A (sodium voltage-gated channel alpha subunit 1; minus strand). Cytogenetic location: 2q24.3.
Variant type: single nucleotide variant.
Coding change: c.509T>C on transcript NM_001165963.4 (MANE Select); coding-DNA position 509, T replaced by C.
Protein change: p.Leu170Pro; replaces leucine 170 with proline.
Molecular consequence: missense variant. On other transcripts: 5 prime UTR variant (1), non-coding transcript variant (1).
Genome position (GRCh38, 1-based): chr2:166,054,731, A>G on the plus strand (T>C on the coding strand, the complement: SCN1A is on the minus strand). VCF-style: chr2-166054731-A-G. GRCh37 (hg19) VCF-style: chr2-166911241-A-G.
Other names: c.509T>C, p.Leu170Pro (NM_001165964.3, NM_001202435.3, NM_001353948.2 and 10 more transcripts); c.-1917T>C (NM_001353961.2); short protein forms L170P.
Identifiers: ClinVar variation 418590 (VCV000418590.2), dbSNP rs1064793315, ClinGen allele CA16617316.

ClinVar aggregate classification (germline): Likely pathogenic (1 of 4 stars; one submission).

Submission:

GeneDx
Classification: Likely pathogenic. Last evaluated: 2015-11-30. Review status: criteria provided, single submitter. Criteria: GeneDx Variant Classification (06012015). Collection method: clinical testing. Allele origin: germline. Affected: yes.
Comment: The L170P variant in the SCN1A gene has not been reported previously as a pathogenic variant, nor as a benign variant, to our knowledge. The L170P variant was not observed in approximately 6500 individuals of European and African American ancestry in the NHLBI Exome Sequencing Project, indicating it is not a common benign variant in these populations. The L170P variant is a semi-conservative amino acid substitution, which may impact secondary protein structure as these residues differ in some properties. This substitution occurs at a position where amino acids with similar properties to Leucine are tolerated across species. In silico analysis predicts this variant is probably damaging to the protein structure/function. L170P is located in transmembrane segment S2 of the first homologous domain, and missense variants in nearby residues (I171R, I171K, A175T, A175V) have been reported in the Human Gene Mutation Database in association with SCN1A related disorders (Stenson et al., 2014), supporting the functional importance of this region of the protein. Therefore, L170P is a strong candidate for a pathogenic variant